The following is an entry in ClinVar:

NM_007247.6(SYNRG):c.3312G>A (p.Lys1104=)

Gene: SYNRG (synergin gamma; minus strand). Cytogenetic location: 17q12.
Variant type: single nucleotide variant.
Coding change: c.3312G>A on transcript NM_007247.6 (MANE Select); coding-DNA position 3312, G replaced by A.
Protein change: p.Lys1104=; no amino-acid change (lysine 1104 retained).
Molecular consequence: synonymous variant.
Genome position (GRCh38, 1-based): chr17:37,540,434, C>T on the plus strand (G>A on the coding strand, the complement: SYNRG is on the minus strand). VCF-style: chr17-37540434-C-T. GRCh37 (hg19) VCF-style: chr17-35900536-C-T.
Other names: c.3078G>A, p.Lys1026= (NM_001163544.3, NM_080550.5, NM_198882.3); c.3075G>A, p.Lys1025= (NM_001163545.3); c.2943G>A, p.Lys981= (NM_001163546.3); c.2694G>A, p.Lys898= (NM_001163547.3); c.3615G>A, p.Lys1205= (NM_001405103.1).
Identifiers: ClinVar variation 3053694 (VCV003053694.2), dbSNP rs146507889, ClinGen allele CA8517271.

ClinVar aggregate classification (germline): Likely benign (0 of 4 stars; one submission).

Conditions:
SYNRG-related disorder. Also called: SYNRG-related condition.

Allele frequency attached by ClinVar (database versions not stated): gnomAD 0.00020; TOPMed 0.00022; ESP Exome Variant Server 0.00023; ExAC 0.00026; gnomAD exomes 0.00029.
gnomAD v4.1: 441 of 1,613,816 alleles (0.027%); highest among the groups gnomAD compares: Non-Finnish European, 0.036%; 1 homozygote.

Submission:

PreventionGenetics, part of Exact Sciences
Classification: Likely benign for SYNRG-related condition. Last evaluated: 2019-09-06. Review status: no assertion criteria provided. Collection method: clinical testing. Allele origin: germline.
Comment: This variant is classified as likely benign based on ACMG/AMP sequence variant interpretation guidelines (Richards et al. 2015 PMID: 25741868, with internal and published modifications).